The following is an entry in ClinVar:

ClinVar aggregate classification (germline): Likely benign. Review status: criteria provided, multiple submitters, no conflicts (2 of 4 stars). 3 submissions from 3 submitters: Likely benign (3). Last evaluated 2025-12-14.

Conditions:
Left ventricular noncompaction 8 (LVNC8). Identifiers: Orphanet 154, Orphanet 54260, MedGen C3809288, MONDO:0014152, OMIM 615373.

Allele frequency attached by ClinVar (database versions not stated): gnomAD 0.00001; ExAC 0.00004; TOPMed 0.00004.
gnomAD v4.1: 24 of 1,613,004 alleles (0.0015%); highest among the groups gnomAD compares: Middle Eastern, 0.017%; 1 homozygote.

Submissions (3):

Labcorp Genetics (formerly Invitae), Labcorp
Classification: Likely benign for Left ventricular noncompaction 8. Last evaluated: 2025-12-14. Review status: criteria provided, single submitter. Criteria: Invitae Variant Classification Sherloc (09022015). Collection method: clinical testing. Allele origin: germline.

Blueprint Genetics
Classification: Likely benign. Last evaluated: 2021-07-09. Review status: criteria provided, single submitter. Criteria: ACMG Guidelines, 2015. Collection method: clinical testing. Allele origin: germline.

GeneDx
Classification: Likely benign. Last evaluated: 2017-05-03. Review status: criteria provided, single submitter. Criteria: GeneDx Variant Classification (06012015). Collection method: clinical testing. Allele origin: germline. Affected: yes.
Comment: This variant is considered likely benign or benign based on one or more of the following criteria: it is a conservative change, it occurs at a poorly conserved position in the protein, it is predicted to be benign by multiple in silico algorithms, and/or has population frequency not consistent with disease.

NM_022114.4(PRDM16):c.2820C>T (p.Ser940=)

Gene: PRDM16 (PR/SET domain 16; plus strand). Cytogenetic location: 1p36.32.
Variant type: single nucleotide variant.
Coding change: c.2820C>T on transcript NM_022114.4 (MANE Select); coding-DNA position 2820, C replaced by T.
Protein change: p.Ser940=; no amino-acid change (serine 940 retained).
Molecular consequence: synonymous variant.
Genome position (GRCh38, 1-based): chr1:3,417,956, C>T. VCF-style: chr1-3417956-C-T. GRCh37 (hg19) VCF-style: chr1-3334520-C-T.
Other names: c.2820C>T, p.Ser940= (NM_199454.3).
Identifiers: ClinVar variation 509306 (VCV000509306.5), dbSNP rs764764989, ClinGen allele CA544620.
Genomic context (GRCh38, chr1:3,417,956, plus strand): 5'-CTCCCTGCAGCCCCTCCCCCACCACCCCTTCAACTTCCGGTCCCCACCCCCAACGCTCTC[C>T]GACCCCATCCTCAGGAAGGGCAAGGAGCGATACACGTGCAGGTGAGGGGCCCTTTGGTGC-3'
Protein context (NP_071397.3, residues 930-950): FNFRSPPPTL[Ser940=]DPILRKGKER